The following is an entry in ClinVar:

ClinVar aggregate classification (germline): Pathogenic (1 of 4 stars; one submission).

Conditions:
Neuromuscular disease caused by qualitative or quantitative defects of dystrophin. Also called: Qualitative or quantitative defects of dystrophin. Identifiers: Orphanet 207085, MedGen C5679787, MONDO:0016147.

Submission:

Women's Health and Genetics/Laboratory Corporation of America, LabCorp
Classification: Pathogenic for Neuromuscular disease caused by qualitative or quantitative defects of dystrophin. Last evaluated: 2025-03-06. Review status: criteria provided, single submitter. Criteria: LabCorp Variant Classification Summary - May 2015. Collection method: clinical testing. Allele origin: germline.
Comment: Variant summary: The variant involves the deletion of exons 49-54 in the DMD gene. A presumed nomenclature of c.(7098+1_7099-1)_(8027+1_8028-1)del has been designated for the purposes of this classification. This Copy Number Variant (CNV) is expected to alter the reading frame and predicted to result in a truncation or absence of the encoded protein due to nonsense mediated decay (NMD). The variant was absent in 16120 control chromosomes (gnomAD, structural variants dataset). c.(7098+1_7099-1)_(8027+1_8028-1)del has been reported in the literature in multiple individuals affected with Dystrophinopathies (e.g. Lalic_2005, Ling_2020, Polavarapu_2019). These data indicate that the variant is very likely to be associated with disease. The following publications have been ascertained in the context of this evaluation (PMID: 16030524, 31705731, 31139960). ClinVar contains an entry for this variant (Variation ID: 3248278). Based on the evidence outlined above, the variant was classified as pathogenic.

Literature cited by the submitters: PubMed 31705731; PubMed 16030524; PubMed 31139960.

NC_000023.11:g.(31627863_31657989)_(31836820_31875187)del

Gene: DMD (dystrophin; minus strand). Cytogenetic location: Xp21.1.
Variant type: Deletion.
Identifiers: ClinVar variation 981990 (VCV000981990.2).